The following is an entry in ClinVar:

ClinVar aggregate classification (germline): Conflicting classifications of pathogenicity. Review status: criteria provided, conflicting classifications (1 of 4 stars). 11 submissions from 11 submitters: Uncertain significance (7); Likely benign (2). 2 of the submissions do not count toward it. Last evaluated 2026-03-31.

Conditions:
Epidermolysis bullosa simplex, Ogna type (EBS5A). Also called: Pidermolysis bullosa simplex 5A, Ogna type; EPIDERMOLYSIS BULLOSA SIMPLEX 5A, OGNA TYPE. Identifiers: Orphanet 79401, MedGen C0432317, MONDO:0007555, OMIM 131950.
Epidermolysis bullosa simplex with nail dystrophy (EBS5D). Identifiers: MedGen C4225309, MONDO:0014661, OMIM 616487.
Autosomal recessive limb-girdle muscular dystrophy type 2Q (LGMDR17). Also called: MUSCULAR DYSTROPHY, LIMB-GIRDLE, AUTOSOMAL RECESSIVE 17. Identifiers: Orphanet 254361, MedGen C3150989, MONDO:0013390, OMIM 613723.
Epidermolysis bullosa simplex 5C, with pyloric atresia (EBS5C). Also called: Epidermolysis bullosa simplex with pyloric atresia; PLEC1-Related Epidermolysis Bullosa with Pyloric Atresia; PLEC-Related Epidermolysis Bullosa with Pyloric Atresia. Identifiers: Orphanet 158684, MedGen C2677349, MONDO:0012807, OMIM 612138.
Epidermolysis bullosa simplex 5B, with muscular dystrophy (EBS5B). Also called: Epidermolysis bullosa simplex with muscular dystrophy; EPIDERMOLYSIS BULLOSA SIMPLEX AND LIMB-GIRDLE MUSCULAR DYSTROPHY. Identifiers: Orphanet 257, MedGen C2931072, MONDO:0009181, OMIM 226670.
PLEC-related disorder. Also called: PLEC-related disorders; PLEC-related condition.

Allele frequency attached by ClinVar (database versions not stated): 1000 Genomes Project 0.00040; 1000 Genomes Project 30x 0.00047; gnomAD exomes 0.00065; gnomAD 0.00077 and 0.00079; TOPMed 0.00087; ExAC 0.00089; ESP Exome Variant Server 0.00090.
gnomAD v4.1: 1,568 of 1,585,994 alleles (0.099%); highest among the groups gnomAD compares: Non-Finnish European, 0.12%; 1 homozygote.

Submissions (11):

PreventionGenetics, part of Exact Sciences
Classification: Uncertain significance for PLEC-related condition. Last evaluated: 2026-03-31. Review status: criteria provided, single submitter. Criteria: ACMG Guidelines, 2015. Collection method: clinical testing. Allele origin: germline.
Comment: The PLEC c.7202G>A variant is predicted to result in the amino acid substitution p.Arg2401Gln. To our knowledge, this variant has not been reported in the literature. This variant is reported in 0.11% of alleles in individuals of European (Non-Finnish) descent in gnomAD. Although we suspect that this variant may be benign, at this time, the clinical significance of this variant is uncertain due to the absence of conclusive functional and genetic evidence.

Labcorp Genetics (formerly Invitae), Labcorp
Classification: Uncertain significance for Autosomal recessive limb-girdle muscular dystrophy type 2Q; Epidermolysis bullosa simplex, Ogna type; Epidermolysis bullosa simplex with nail dystrophy; Epidermolysis bullosa simplex 5C, with pyloric atresia; Epidermolysis bullosa simplex 5B, with muscular dystrophy. Last evaluated: 2026-01-08. Review status: criteria provided, single submitter. Criteria: Invitae Variant Classification Sherloc (09022015). Collection method: clinical testing. Allele origin: germline.
Comment: This sequence change replaces arginine, which is basic and polar, with glutamine, which is neutral and polar, at codon 2401 of the PLEC protein (p.Arg2401Gln). This variant is present in population databases (rs201417343, gnomAD 0.1%), and has an allele count higher than expected for a pathogenic variant. This variant has not been reported in the literature in individuals affected with PLEC-related conditions. ClinVar contains an entry for this variant (Variation ID: 282326). Invitae Evidence Modeling of protein sequence and biophysical properties (such as structural, functional, and spatial information, amino acid conservation, physicochemical variation, residue mobility, and thermodynamic stability) indicates that this missense variant is not expected to disrupt PLEC protein function with a negative predictive value of 80%. In summary, the available evidence is currently insufficient to determine the role of this variant in disease. Therefore, it has been classified as a Variant of Uncertain Significance.

Mayo Clinic Laboratories, Mayo Clinic
Classification: Uncertain significance. Last evaluated: 2025-10-24. Review status: criteria provided, single submitter. Criteria: ACMG Guidelines, 2015. Collection method: clinical testing. Allele origin: germline. Observed: 2 variant alleles.
Comment: BS1

GeneDx
Classification: Likely benign. Last evaluated: 2025-09-16. Review status: criteria provided, single submitter. Criteria: GeneDx Variant Classification Process June 2021. Collection method: clinical testing. Allele origin: germline. Affected: yes.
Comment: See Variant Classification Assertion Criteria.

Blueprint Genetics
Classification: Likely benign. Last evaluated: 2024-11-14. Review status: criteria provided, single submitter. Criteria: ACMG Guidelines, 2015. Collection method: clinical testing. Allele origin: germline.

Athena Diagnostics
Classification: Uncertain significance. Last evaluated: 2024-05-17. Review status: criteria provided, single submitter. Criteria: Athena Diagnostics Criteria. Collection method: clinical testing. Allele origin: unknown.

CeGaT Center for Human Genetics Tuebingen
Classification: Uncertain significance. Last evaluated: 2022-07-01. Review status: criteria provided, single submitter. Criteria: CeGaT Center For Human Genetics Tuebingen Variant Classification Criteria Version 2. Collection method: clinical testing. Allele origin: germline. Affected: yes. Observed: 1 variant allele.

Baylor Genetics
Classification: Uncertain significance for Autosomal recessive limb-girdle muscular dystrophy type 2Q. Last evaluated: 2019-09-11. Review status: criteria provided, single submitter. Criteria: ACMG Guidelines, 2015. Collection method: clinical testing. Allele origin: unknown. Affected: yes.
Comment: This variant was determined to be of uncertain significance according to ACMG Guidelines, 2015 [PMID:25741868].

Eurofins Ntd Llc (ga)
Classification: Uncertain significance. Last evaluated: 2015-08-18. Review status: criteria provided, single submitter. Criteria: EGL Classification Definitions 2015. Collection method: clinical testing. Allele origin: germline. Observed: 7 variant alleles, 7 heterozygotes.

Clinical Genetics DNA and cytogenetics Diagnostics Lab, Erasmus MC, Erasmus Medical Center
Classification: Uncertain significance. Review status: no assertion criteria provided. Collection method: clinical testing. Allele origin: germline. Affected: yes. Study: VKGL Data-share Consensus. Not counted in ClinVar's aggregate classification.

Diagnostic Laboratory, Department of Genetics, University Medical Center Groningen
Classification: Uncertain significance. Review status: no assertion criteria provided. Collection method: clinical testing. Allele origin: germline. Affected: yes. Study: VKGL Data-share Consensus. Not counted in ClinVar's aggregate classification.

Literature cited by the submitters: PubMed 30161220 (cited by Athena Diagnostics).

NM_201384.3(PLEC):c.7121G>A (p.Arg2374Gln)

Gene: PLEC (plectin; minus strand). Cytogenetic location: 8q24.3.
Variant type: single nucleotide variant.
Coding change: c.7121G>A on transcript NM_201384.3 (MANE Select); coding-DNA position 7121, G replaced by A.
Protein change: p.Arg2374Gln; replaces arginine 2374 with glutamine.
Molecular consequence: missense variant.
Genome position (GRCh38, 1-based): chr8:143,922,808, C>T on the plus strand (G>A on the coding strand, the complement: PLEC is on the minus strand). VCF-style: chr8-143922808-C-T. GRCh37 (hg19) VCF-style: chr8-144996976-C-T.
Other names: p.Arg2401Gln; c.7202G>A, p.Arg2401Gln (NM_000445.5); c.7079G>A, p.Arg2360Gln (NM_201378.4); c.7055G>A, p.Arg2352Gln (NM_201379.3); c.7532G>A, p.Arg2511Gln (NM_201380.4); c.7025G>A, p.Arg2342Gln (NM_201381.3); c.7121G>A, p.Arg2374Gln (NM_201382.4); c.7133G>A, p.Arg2378Gln (NM_201383.3); short protein forms R2360Q, R2401Q, R2352Q, R2342Q, R2374Q, R2378Q, R2511Q.
Identifiers: ClinVar variation 282326 (VCV000282326.58), dbSNP rs201417343, ClinGen allele CA4925751.
Genomic context (GRCh38, chr8:143,922,808, plus strand): 5'-CGGCTCATCTCGGCCACACGCAGCTTGAGGCGCTCAGCCTCAGCGCTCATCTCCAGCTGC[C>T]GCTGCCGCTCGGCCTCCAGCGTCCGCTGGAAGCCCTGCGTCTCCTCCGCCAGCTGCTGCG-3'
Protein context (NP_958786.1, residues 2364-2384): FQRTLEAERQ[Arg2374Gln]QLEMSAEAER